The following is an entry in ClinVar:

NM_004974.4(KCNA2):c.248C>T (p.Pro83Leu)

Gene: KCNA2 (potassium voltage-gated channel subfamily A member 2; minus strand). Cytogenetic location: 1p13.3.
Variant type: single nucleotide variant.
Coding change: c.248C>T on transcript NM_004974.4 (MANE Select); coding-DNA position 248, C replaced by T.
Protein change: p.Pro83Leu; replaces proline 83 with leucine.
Molecular consequence: missense variant.
Genome position (GRCh38, 1-based): chr1:110,604,535, G>A on the plus strand (C>T on the coding strand, the complement: KCNA2 is on the minus strand). VCF-style: chr1-110604535-G-A. GRCh37 (hg19) VCF-style: chr1-111147157-G-A.
Other names: c.248C>T, p.Pro83Leu (NM_001204269.2); short protein forms P83L.
Identifiers: ClinVar variation 2545087 (VCV002545087.3), dbSNP rs1649512695, ClinGen allele CA341606227.
Genomic context (GRCh38, chr1:110,604,535, plus strand): 5'-TTCACAGGTCGCCTCAATCGGCCCCCTGACTGGTAGTAGTACAAAATGGCATCAAAGCTA[G>A]GGCGGTTCCGATCGAAAAAGTACTCATTTCGGAGGGGGTCAAAGTACCTCATTCGTTTCT-3'
Protein context (NP_004965.1, residues 73-93): RNEYFFDRNR[Pro83Leu]SFDAILYYYQ

ClinVar aggregate classification (germline): Uncertain significance. Review status: criteria provided, multiple submitters, no conflicts (2 of 4 stars). 2 submissions from 2 submitters: Uncertain significance (2). Last evaluated 2023-05-08.

Conditions:
Inborn genetic diseases. Identifiers: MedGen C0950123, MeSH D030342.
KCNA2-related disorder. Also called: KCNA2-related condition.

Allele frequency attached by ClinVar (database versions not stated): gnomAD 0.00001; TOPMed 0.00001.
gnomAD v4.1: 4 of 1,614,092 alleles (0.00025%); highest among the groups gnomAD compares: Non-Finnish European, 0.00034%; no homozygotes.

Submissions (2):

Ambry Genetics
Classification: Uncertain significance for Inborn genetic diseases. Last evaluated: 2023-05-08. Review status: criteria provided, single submitter. Criteria: Ambry Variant Classification Scheme 2023. Collection method: clinical testing. Allele origin: germline.

PreventionGenetics, part of Exact Sciences
Classification: Uncertain significance for KCNA2-related condition. Last evaluated: 2022-12-20. Review status: criteria provided, single submitter. Criteria: ACMG Guidelines, 2015. Collection method: clinical testing. Allele origin: germline.
Comment: The KCNA2 c.248C>T variant is predicted to result in the amino acid substitution p.Pro83Leu. To our knowledge, this variant has not been reported in the literature or in a large population database, indicating this variant is rare. At this time, the clinical significance of this variant is uncertain due to the absence of conclusive functional and genetic evidence.